The following is an entry in ClinVar:

ClinVar aggregate classification (germline): Likely pathogenic (1 of 4 stars; one submission).

Conditions:
Familial cancer of breast. Also called: hereditary breast carcinoma; Hereditary breast cancer; BREAST CANCER, FAMILIAL. Identifiers: Orphanet 227535, MedGen C0346153, MONDO:0016419, OMIM 114480. Disease mechanism: loss of function.

Submission:

Labcorp Genetics (formerly Invitae), Labcorp
Classification: Likely pathogenic for Familial cancer of breast. Last evaluated: 2024-06-13. Review status: criteria provided, single submitter. Criteria: Invitae Variant Classification Sherloc (09022015). Collection method: clinical testing. Allele origin: germline.
Comment: This sequence change creates a premature translational stop signal (p.His746Thrfs*19) in the BARD1 gene. While this is not anticipated to result in nonsense mediated decay, it is expected to disrupt the last 32 amino acid(s) of the BARD1 protein. This variant is not present in population databases (gnomAD no frequency). This variant has not been reported in the literature in individuals affected with BARD1-related conditions. This variant disrupts the C-terminal BRCT domain of BARD1 protein, which is required for chromosome stability and homology-directed repair (PMID: 17848578). A different variant (p.Val767fs) that lies downstream of this variant has been reported to affect BARD1 protein function (PMID: 30925164), this suggests that disruption of this region of the protein is causative of disease. In summary, the currently available evidence indicates that the variant is pathogenic, but additional data are needed to prove that conclusively. Therefore, this variant has been classified as Likely Pathogenic.

Literature cited by the submitters: PubMed 17848578; PubMed 30925164.

NM_000465.4(BARD1):c.2235del (p.His746fs)

Gene: BARD1 (BRCA1 associated RING domain 1; minus strand). Cytogenetic location: 2q35.
Variant type: Deletion.
Coding change: c.2235del on transcript NM_000465.4 (MANE Select); coding-DNA position 2235, one base deleted (T; older notation c.2235delT).
Protein change: p.His746fs; shifts the reading frame from histidine 746.
Molecular consequence: frameshift variant. On other transcripts: non-coding transcript variant (3).
Genome position (GRCh38, 1-based): chr2:214,728,775, A deleted on the plus strand (T on the coding strand, the reverse complement: BARD1 is on the minus strand). VCF-style (leftmost placement, unchanged base first): chr2-214728774-GA-G. GRCh37 (hg19) VCF-style: chr2-215593498-GA-G.
Other names: c.2178del, p.His727fs (NM_001282543.2); c.882del, p.His295fs (NM_001282545.2); c.825del, p.His276fs (NM_001282548.2); c.696del, p.His233fs (NM_001282549.2); short protein forms H233fs, H276fs, H295fs, H727fs, H746fs.
Identifiers: ClinVar variation 1066474 (VCV001066474.10), dbSNP rs2105986664, ClinGen allele CA2499215602.